The following is an entry in ClinVar:

NM_015311.3(OBSL1):c.1498G>A (p.Gly500Ser)

Gene: OBSL1 (obscurin like cytoskeletal adaptor 1; minus strand). Cytogenetic location: 2q35.
Variant type: single nucleotide variant.
Coding change: c.1498G>A on transcript NM_015311.3 (MANE Select); coding-DNA position 1498, G replaced by A.
Protein change: p.Gly500Ser; replaces glycine 500 with serine.
Molecular consequence: missense variant.
Genome position (GRCh38, 1-based): chr2:219,567,754, C>T on the plus strand (G>A on the coding strand, the complement: OBSL1 is on the minus strand). VCF-style: chr2-219567754-C-T. GRCh37 (hg19) VCF-style: chr2-220432476-C-T.
Other names: c.1498G>A, p.Gly500Ser (NM_001173408.2, NM_001173431.2); short protein forms G500S.
Identifiers: ClinVar variation 1037694 (VCV001037694.8), dbSNP rs566593485, ClinGen allele CA2131522.

ClinVar aggregate classification (germline): Uncertain significance (1 of 4 stars; one submission).

Allele frequency attached by ClinVar (database versions not stated): TOPMed 0.00001; gnomAD exomes 0.00004 and 0.00010; ExAC 0.00014; 1000 Genomes Project 30x 0.00047; 1000 Genomes Project 0.00060.
gnomAD v4.1: 68 of 1,613,362 alleles (0.0042%); highest among the groups gnomAD compares: South Asian, 0.065%; 1 homozygote.

Submission:

Labcorp Genetics (formerly Invitae), Labcorp
Classification: Uncertain significance. Last evaluated: 2022-07-26. Review status: criteria provided, single submitter. Criteria: Invitae Variant Classification Sherloc (09022015). Collection method: clinical testing. Allele origin: germline.
Comment: In summary, the available evidence is currently insufficient to determine the role of this variant in disease. Therefore, it has been classified as a Variant of Uncertain Significance. Algorithms developed to predict the effect of missense changes on protein structure and function are either unavailable or do not agree on the potential impact of this missense change (SIFT: "Deleterious"; PolyPhen-2: "Probably Damaging"; Align-GVGD: "Class C0"). ClinVar contains an entry for this variant (Variation ID: 1037694). This variant has not been reported in the literature in individuals affected with OBSL1-related conditions. This variant is present in population databases (rs566593485, gnomAD 0.07%). This sequence change replaces glycine, which is neutral and non-polar, with serine, which is neutral and polar, at codon 500 of the OBSL1 protein (p.Gly500Ser).